The following is an entry in ClinVar:

NM_007186.6(CEP250):c.2930A>G (p.Gln977Arg)

Gene: CEP250 (centrosomal protein 250; plus strand). Cytogenetic location: 20q11.22.
Variant type: single nucleotide variant.
Coding change: c.2930A>G on transcript NM_007186.6 (MANE Select); coding-DNA position 2930, A replaced by G.
Protein change: p.Gln977Arg; replaces glutamine 977 with arginine.
Molecular consequence: missense variant.
Genome position (GRCh38, 1-based): chr20:35,493,469, A>G. VCF-style: chr20-35493469-A-G. GRCh37 (hg19) VCF-style: chr20-34081296-A-G.
Other names: c.1034A>G, p.Gln345Arg (NM_001318219.1); short protein forms Q345R, Q977R.
Identifiers: ClinVar variation 2092353 (VCV002092353.4), dbSNP rs2063753241, ClinGen allele CA408741258.

ClinVar aggregate classification (germline): Uncertain significance (1 of 4 stars; one submission).

Submission:

Labcorp Genetics (formerly Invitae), Labcorp
Classification: Uncertain significance. Last evaluated: 2022-02-03. Review status: criteria provided, single submitter. Criteria: Invitae Variant Classification Sherloc (09022015). Collection method: clinical testing. Allele origin: germline.
Comment: In summary, the available evidence is currently insufficient to determine the role of this variant in disease. Therefore, it has been classified as a Variant of Uncertain Significance. Algorithms developed to predict the effect of missense changes on protein structure and function output the following: SIFT: "Not Available"; PolyPhen-2: "Benign"; Align-GVGD: "Not Available". The arginine amino acid residue is found in multiple mammalian species, which suggests that this missense change does not adversely affect protein function. This variant has not been reported in the literature in individuals affected with CEP250-related conditions. This variant is not present in population databases (gnomAD no frequency). This sequence change replaces glutamine, which is neutral and polar, with arginine, which is basic and polar, at codon 977 of the CEP250 protein (p.Gln977Arg).